The following is an entry in ClinVar:

NM_001048174.2(MUTYH):c.1375dup (p.Ser459fs)

Gene: MUTYH (mutY DNA glycosylase; minus strand). Cytogenetic location: 1p34.1.
Variant type: Duplication.
Coding change: c.1375dup on transcript NM_001048174.2 (MANE Select); coding-DNA position 1375, one base duplicated (T; older notation c.1375dupT).
Protein change: p.Ser459fs; shifts the reading frame from serine 459.
Molecular consequence: frameshift variant. On other transcripts: non-coding transcript variant (7).
Genome position (GRCh38, 1-based): chr1:45,331,199, A duplicated on the plus strand (T on the coding strand, the reverse complement: MUTYH is on the minus strand); the first of 3 consecutive A bases (chr1:45,331,199-45,331,201); duplicating any one gives the same sequence. VCF-style (leftmost placement, unchanged base first): chr1-45331198-G-GA. GRCh37 (hg19) VCF-style: chr1-45796870-G-GA.
Other names: c.1375dup, p.Ser459fs (NM_001048171.2, NM_001048173.2, NM_001407073.1 and 6 more transcripts); c.1378dup, p.Ser460fs (NM_001048172.2, NM_001407078.1, NM_001407086.1 and 1 more transcripts); c.1459dup, p.Ser487fs (NM_001128425.2); c.1420dup, p.Ser474fs (NM_001293190.2); c.1291dup, p.Ser431fs (NM_001407075.1); c.1408dup, p.Ser470fs (NM_001407077.1, NM_001293191.2, NM_001407069.1); c.1336dup, p.Ser446fs (NM_001407079.1); c.1333dup, p.Ser445fs (NM_001407080.1); and 5 more; short protein forms S344fs, S470fs, S484fs, S474fs, S466fs, S473fs, S487fs, S367fs.
Identifiers: ClinVar variation 3728460 (VCV003728460.2).

ClinVar aggregate classification (germline): Likely pathogenic (1 of 4 stars; one submission).

Conditions:
Familial adenomatous polyposis 2. Also called: MUTYH-associated polyposis; MUTYH-related attenuated familial adenomatous polyposis; COLORECTAL ADENOMATOUS POLYPOSIS, AUTOSOMAL RECESSIVE; ADENOMAS, MULTIPLE COLORECTAL, AUTOSOMAL RECESSIVE; MYH-associated polyposis; MUTYH Polyposis. Identifiers: Orphanet 220460, Orphanet 247798, MedGen C3272841, MONDO:0012041, OMIM 608456.

Submission:

Labcorp Genetics (formerly Invitae), Labcorp
Classification: Likely pathogenic for Familial adenomatous polyposis 2. Last evaluated: 2025-11-04. Review status: criteria provided, single submitter. Criteria: Invitae Variant Classification Sherloc (09022015). Collection method: clinical testing. Allele origin: germline.
Comment: This sequence change creates a premature translational stop signal (p.Ser487Phefs*45) in the MUTYH gene. While this is not anticipated to result in nonsense mediated decay, it is expected to disrupt the last 63 amino acid(s) of the MUTYH protein. This variant is not present in population databases (gnomAD no frequency). This variant has not been reported in the literature in individuals affected with MUTYH-related conditions. ClinVar contains an entry for this variant (Variation ID: 3728460). This variant disrupts the conserved PCNA binding motif of the MUTYH protein, which has been shown to be critical for MUTYH-PCNA binding and repair efficiency (PMID: 11092888, 26377631, 11433026, 11864576). While functional studies have not been performed to directly test the effect of this variant on MUTYH protein function, this suggests that disruption of this region of the protein is causative of disease. In summary, the currently available evidence indicates that the variant is pathogenic, but additional data are needed to prove that conclusively. Therefore, this variant has been classified as Likely Pathogenic.

Literature cited by the submitters: PubMed 11092888; PubMed 26377631; PubMed 11433026; PubMed 11864576.